The following is an entry in ClinVar:

NM_031866.3(FZD8):c.1026T>C (p.Gly342=)

Gene: FZD8 (frizzled class receptor 8; minus strand). Cytogenetic location: 10p11.21.
Variant type: single nucleotide variant.
Coding change: c.1026T>C on transcript NM_031866.3 (MANE Select); coding-DNA position 1026, T replaced by C.
Protein change: p.Gly342=; no amino-acid change (glycine 342 retained).
Molecular consequence: synonymous variant.
Genome position (GRCh38, 1-based): chr10:35,640,404, A>G on the plus strand (T>C on the coding strand, the complement: FZD8 is on the minus strand). VCF-style: chr10-35640404-A-G. GRCh37 (hg19) VCF-style: chr10-35929332-A-G.
Identifiers: ClinVar variation 4873825 (VCV004873825.2).

ClinVar aggregate classification (germline): Likely benign (1 of 4 stars; one submission).

Submission:

CeGaT Center for Human Genetics Tuebingen
Classification: Likely benign. Last evaluated: 2026-05-01. Review status: criteria provided, single submitter. Criteria: CeGaT Center For Human Genetics Tuebingen Variant Classification Criteria Version 2. Collection method: clinical testing. Allele origin: germline. Affected: yes. Observed: 1 variant allele.
Comment: FZD8: PM2:Supporting, BP4, BP7